The following is an entry in ClinVar:

NM_000061.3(BTK):c.908G>A (p.Gly303Asp)

Gene: BTK (Bruton tyrosine kinase; minus strand). Cytogenetic location: Xq22.1.
Variant type: single nucleotide variant.
Coding change: c.908G>A on transcript NM_000061.3 (MANE Select); coding-DNA position 908, G replaced by A.
Protein change: p.Gly303Asp; replaces glycine 303 with aspartic acid.
Molecular consequence: missense variant.
Genome position (GRCh38, 1-based): chrX:101,358,683, C>T on the plus strand (G>A on the coding strand, the complement: BTK is on the minus strand). VCF-style: chrX-101358683-C-T. GRCh37 (hg19) VCF-style: chrX-100613671-C-T.
Other names: c.1010G>A, p.Gly337Asp (NM_001287344.2); c.908G>A, p.Gly303Asp (NM_001287345.2); short protein forms G303D, G337D.
Identifiers: ClinVar variation 1998290 (VCV001998290.4), dbSNP rs2520574108, ClinGen allele CA413929271.

ClinVar aggregate classification (germline): Uncertain significance (1 of 4 stars; one submission).

Conditions:
X-linked agammaglobulinemia with growth hormone deficiency (IGHD3). Also called: ISOLATED GROWTH HORMONE DEFICIENCY, TYPE III, WITH AGAMMAGLOBULINEMIA; AGAMMAGLOBULINEMIA AND ISOLATED GROWTH HORMONE DEFICIENCY, X-LINKED; FLEISHER SYNDROME; HYPOGAMMAGLOBULINEMIA AND ISOLATED GROWTH HORMONE DEFICIENCY, X-LINKED; IGHD III; Isolated growth hormone deficiency type 3. Identifiers: Orphanet 231692, Orphanet 631, MedGen C0472813, MONDO:0010615, OMIM 307200.

Submission:

Labcorp Genetics (formerly Invitae), Labcorp
Classification: Uncertain significance for X-linked agammaglobulinemia with growth hormone deficiency. Last evaluated: 2022-05-24. Review status: criteria provided, single submitter. Criteria: Invitae Variant Classification Sherloc (09022015). Collection method: clinical testing. Allele origin: germline.
Comment: In summary, the available evidence is currently insufficient to determine the role of this variant in disease. Therefore, it has been classified as a Variant of Uncertain Significance. Algorithms developed to predict the effect of missense changes on protein structure and function are either unavailable or do not agree on the potential impact of this missense change (SIFT: "Tolerated"; PolyPhen-2: "Probably Damaging"; Align-GVGD: "Class C0"). This variant has not been reported in the literature in individuals affected with BTK-related conditions. This variant is not present in population databases (gnomAD no frequency). This sequence change replaces glycine, which is neutral and non-polar, with aspartic acid, which is acidic and polar, at codon 303 of the BTK protein (p.Gly303Asp).